The following is an entry in ClinVar:

ClinVar aggregate classification (germline): Pathogenic/Likely pathogenic. Review status: criteria provided, multiple submitters, no conflicts (2 of 4 stars). 2 submissions from 2 submitters: Pathogenic (1); Likely pathogenic (1). Last evaluated 2025-03-03.

Conditions:
Fatal mitochondrial disease due to combined oxidative phosphorylation defect type 3. Also called: Combined oxidative phosphorylation deficiency 3; ENCEPHALOMYOPATHY, RESPIRATORY FAILURE, AND LACTIC ACIDOSIS. Identifiers: Orphanet 168566, MedGen C1864840, MONDO:0012512, OMIM 610505.

Allele frequency attached by ClinVar (database versions not stated): TOPMed below 0.00001; gnomAD exomes 0.00001; ExAC 0.00002.
gnomAD v4.1: 4 of 1,612,794 alleles (0.00025%); highest among the groups gnomAD compares: Admixed American, 0.0067%; no homozygotes.

Submissions (2):

Labcorp Genetics (formerly Invitae), Labcorp
Classification: Pathogenic. Last evaluated: 2025-03-03. Review status: criteria provided, single submitter. Criteria: Invitae Variant Classification Sherloc (09022015). Collection method: clinical testing. Allele origin: germline.
Comment: This sequence change creates a premature translational stop signal (p.Gln135*) in the TSFM gene. It is expected to result in an absent or disrupted protein product. Loss-of-function variants in TSFM are known to be pathogenic (PMID: 17033963, 20435138, 25037205, 27677415). This variant is present in population databases (rs751169823, gnomAD 0.009%). This variant has not been reported in the literature in individuals affected with TSFM-related conditions. ClinVar contains an entry for this variant (Variation ID: 1076656). Algorithms developed to predict the effect of sequence changes on RNA splicing suggest that this variant may disrupt the consensus splice site. For these reasons, this variant has been classified as Pathogenic.

Baylor Genetics
Classification: Likely pathogenic for Fatal mitochondrial disease due to combined oxidative phosphorylation defect type 3. Last evaluated: 2023-08-03. Review status: criteria provided, single submitter. Criteria: ACMG Guidelines, 2015. Collection method: clinical testing. Allele origin: unknown.

Literature cited by the submitters: PubMed 17033963 (cited by Labcorp Genetics (formerly Invitae), Labcorp); PubMed 20435138 (cited by Labcorp Genetics (formerly Invitae), Labcorp); PubMed 25037205 (cited by Labcorp Genetics (formerly Invitae), Labcorp); PubMed 27677415 (cited by Labcorp Genetics (formerly Invitae), Labcorp).

NM_005726.6(TSFM):c.403C>T (p.Gln135Ter)

Gene: TSFM (Ts translation elongation factor, mitochondrial; plus strand). Cytogenetic location: 12q14.1.
Variant type: single nucleotide variant.
Coding change: c.403C>T on transcript NM_005726.6 (MANE Select); coding-DNA position 403, C replaced by T.
Protein change: p.Gln135Ter; replaces glutamine 135 with a stop codon.
Molecular consequence: nonsense.
Genome position (GRCh38, 1-based): chr12:57,787,082, C>T. VCF-style: chr12-57787082-C-T. GRCh37 (hg19) VCF-style: chr12-58180865-C-T.
Other names: c.403C>T, p.Gln135Ter (NM_001172695.2, NM_001172696.2, NM_001172697.2); short protein forms Q135*.
Identifiers: ClinVar variation 1076656 (VCV001076656.8), dbSNP rs751169823, ClinGen allele CA6659336.
Genomic context (GRCh38, chr12:57,787,082, plus strand): 5'-ATCAATTTGTTCCCACAGGTAAACTGTGAGACAGATTTTGTTTCTAGAAATTTAAAATTT[C>T]AACTGTTGGTCCAGCAAGTAGCCCTTGGAACCATGATGCATTGTCAGACCCTAAAGGATC-3'